The following is an entry in ClinVar:

ClinVar aggregate classification (germline): Uncertain significance. Review status: criteria provided, multiple submitters, no conflicts (2 of 4 stars). 2 submissions from 2 submitters: Uncertain significance (2). Last evaluated 2025-11-07.

Conditions:
Inborn genetic diseases. Identifiers: MedGen C0950123, MeSH D030342.

gnomAD v4.1: 21 of 1,613,908 alleles (0.0013%); highest among the groups gnomAD compares: Non-Finnish European, 0.0016%; no homozygotes.

Submissions (2):

Ambry Genetics
Classification: Uncertain significance for Inborn genetic diseases. Last evaluated: 2025-11-07. Review status: criteria provided, single submitter. Criteria: Ambry Variant Classification Scheme 2023. Collection method: clinical testing. Allele origin: germline.

Labcorp Genetics (formerly Invitae), Labcorp
Classification: Uncertain significance. Last evaluated: 2025-08-11. Review status: criteria provided, single submitter. Criteria: Invitae Variant Classification Sherloc (09022015). Collection method: clinical testing. Allele origin: germline.
Comment: This sequence change replaces arginine, which is basic and polar, with cysteine, which is neutral and slightly polar, at codon 181 of the EPAS1 protein (p.Arg181Cys). This variant is not present in population databases (gnomAD no frequency). This variant has not been reported in the literature in individuals affected with EPAS1-related conditions. An algorithm developed to predict the effect of missense changes on protein structure and function (PolyPhen-2) suggests that this variant is likely to be disruptive. In summary, the available evidence is currently insufficient to determine the role of this variant in disease. Therefore, it has been classified as a Variant of Uncertain Significance.

NM_001430.5(EPAS1):c.541C>T (p.Arg181Cys)

Genes: EPAS1 (endothelial PAS domain protein 1; plus strand), LOC126806210 (BRD4-independent group 4 enhancer GRCh37_chr2:46587586-46588785; plus strand). Cytogenetic location: 2p21.
Variant type: single nucleotide variant.
Coding change: c.541C>T on transcript NM_001430.5 (MANE Select); coding-DNA position 541, C replaced by T.
Protein change: p.Arg181Cys; replaces arginine 181 with cysteine.
Molecular consequence: missense variant.
Genome position (GRCh38, 1-based): chr2:46,360,724, C>T. VCF-style: chr2-46360724-C-T. GRCh37 (hg19) VCF-style: chr2-46587863-C-T.
Other names: short protein forms R181C.
Identifiers: ClinVar variation 4618576 (VCV004618576.2).
Genomic context (GRCh38, chr2:46,360,724, plus strand): 5'-GACATGTCCACAGAGCGGGACTTCTTCATGAGGATGAAGTGCACGGTCACCAACAGAGGC[C>T]GTACTGTCAACCTCAAGTCAGCCACCTGGAAGGTAGGGCAACATCAGGCCTGGGTTGGAG-3'
Protein context (NP_001421.2, residues 171-191): RMKCTVTNRG[Arg181Cys]TVNLKSATWK